The following is an entry in ClinVar:

ClinVar aggregate classification (germline): Pathogenic (1 of 4 stars; one submission).

Conditions:
Nemaline myopathy 2 (NEM2). Also called: Nemaline myopathy 2, autosomal recessive. Identifiers: MedGen C1850569, MONDO:0009725, OMIM 256030.

Submission:

Myriad Genetics, Inc.
Classification: Pathogenic for Nemaline myopathy 2. Last evaluated: 2025-03-08. Review status: criteria provided, single submitter. Criteria: Myriad Autosomal Dominant, Autosomal Recessive and X-Linked Classification Criteria (2023). Collection method: clinical testing. Allele origin: unknown.
Comment: NM_001271208.1(NEB):c.22166delA(K7389Rfs*28) is expected to be pathogenic in the context of NEB-related nemaline myopathy. This variant is predicted to lead to an abnormal or absent protein product due to the creation of a premature termination codon in NEB, a gene where loss-of-function variants are known to be pathogenic. Please note: this variant was assessed in the context of healthy population screening.

NM_001164508.2(NEB):c.22061del (p.Lys7354fs)

Genes: NEB (nebulin; minus strand), RIF1 (replication timing regulatory factor 1; plus strand). Cytogenetic location: 2q23.3.
Variant type: Deletion.
Coding change: c.22061del on transcript NM_001164508.2 (MANE Select); coding-DNA position 22061, one base deleted (A; older notation c.22061delA).
Protein change: p.Lys7354fs; shifts the reading frame from lysine 7354.
Molecular consequence: frameshift variant.
Genome position (GRCh38, 1-based): chr2:151,526,058, T deleted on the plus strand (A on the coding strand, the reverse complement: NEB is on the minus strand); the first of 2 consecutive T bases (chr2:151,526,058-151,526,059); deleting either gives the same sequence. VCF-style (leftmost placement, unchanged base first): chr2-151526057-CT-C. GRCh37 (hg19) VCF-style: chr2-152382571-CT-C.
Other names: c.22061del, p.Lys7354fs (NM_001164507.2); c.22166del, p.Lys7389fs (NM_001271208.2); c.16958del, p.Lys5653fs (NM_004543.5); short protein forms K5653fs, K7354fs, K7389fs.
Identifiers: ClinVar variation 5014191 (VCV005014191.1).